The following is an entry in ClinVar:

ClinVar aggregate classification (germline): Uncertain significance (1 of 4 stars; one submission).

Conditions:
Inborn genetic diseases. Identifiers: MedGen C0950123, MeSH D030342.

gnomAD v4.1: 1 of 1,613,780 alleles (0.000062%); highest among the groups gnomAD compares: Non-Finnish European, 0.000085%; no homozygotes.

Submission:

Ambry Genetics
Classification: Uncertain significance for Inborn genetic diseases. Last evaluated: 2025-09-10. Review status: criteria provided, single submitter. Criteria: Ambry Variant Classification Scheme 2023. Collection method: clinical testing. Allele origin: germline.
Comment: The p.E1060G variant (also known as c.3179A>G), located in coding exon 1 of the SAMD9L gene, results from an A to G substitution at nucleotide position 3179. The glutamic acid at codon 1060 is replaced by glycine, an amino acid with similar properties. This amino acid position is conserved. In addition, the in silico prediction for this alteration is inconclusive. Based on the available evidence, the clinical significance of this variant remains unclear.

NM_152703.5(SAMD9L):c.3179A>G (p.Glu1060Gly)

Gene: SAMD9L (sterile alpha motif domain containing 9 like; minus strand). Cytogenetic location: 7q21.2.
Variant type: single nucleotide variant.
Coding change: c.3179A>G on transcript NM_152703.5 (MANE Select); coding-DNA position 3179, A replaced by G.
Protein change: p.Glu1060Gly; replaces glutamic acid 1060 with glycine.
Molecular consequence: missense variant.
Genome position (GRCh38, 1-based): chr7:93,132,793, T>C on the plus strand (A>G on the coding strand, the complement: SAMD9L is on the minus strand). VCF-style: chr7-93132793-T-C. GRCh37 (hg19) VCF-style: chr7-92762106-T-C.
Other names: c.3179A>G, p.Glu1060Gly (NM_001303496.3, NM_001303497.3, NM_001303498.3 and 5 more transcripts); short protein forms E1060G.
Identifiers: ClinVar variation 4159469 (VCV004159469.1).